The following is an entry in ClinVar:

NM_000051.4(ATM):c.6008A>G (p.Asp2003Gly)

Genes: ATM (ATM serine/threonine kinase; plus strand), C11orf65 (chromosome 11 open reading frame 65; minus strand). Cytogenetic location: 11q22.3.
Variant type: single nucleotide variant.
Coding change: c.6008A>G on transcript NM_000051.4 (MANE Select); coding-DNA position 6008, A replaced by G.
Protein change: p.Asp2003Gly; replaces aspartic acid 2003 with glycine.
Molecular consequence: missense variant. On other transcripts: intron variant (2).
Genome position (GRCh38, 1-based): chr11:108,315,824, A>G. VCF-style: chr11-108315824-A-G. GRCh37 (hg19) VCF-style: chr11-108186551-A-G.
Other names: c.6008A>G, p.Asp2003Gly (NM_001351834.2); c.641-6753T>C (NM_001330368.2); c.*39-6753T>C (NM_001351110.2); short protein forms D2003G.
Identifiers: ClinVar variation 1377926 (VCV001377926.7), dbSNP rs2136117409, ClinGen allele CA382549775.

ClinVar aggregate classification (germline): Uncertain significance (1 of 4 stars; one submission).

Conditions:
Ataxia-telangiectasia syndrome (AT). Also called: Ataxia-telangiectasia; LOUIS-BAR SYNDROME; Ataxia-telangiectasia, complementation group D; AT, COMPLEMENTATION GROUP C; ATAXIA-TELANGIECTASIA, COMPLEMENTATION GROUP A; ATAXIA-TELANGIECTASIA, FRESNO VARIANT. Identifiers: Orphanet 100, MedGen C0004135, MONDO:0008840, OMIM 208900.

Submission:

Labcorp Genetics (formerly Invitae), Labcorp
Classification: Uncertain significance for Ataxia-telangiectasia syndrome. Last evaluated: 2023-08-30. Review status: criteria provided, single submitter. Criteria: Invitae Variant Classification Sherloc (09022015). Collection method: clinical testing. Allele origin: germline.
Comment: In summary, the available evidence is currently insufficient to determine the role of this variant in disease. Therefore, it has been classified as a Variant of Uncertain Significance. An algorithm developed to predict the effect of missense changes on protein structure and function (PolyPhen-2) suggests that this variant is likely to be tolerated. ClinVar contains an entry for this variant (Variation ID: 1377926). This variant has not been reported in the literature in individuals affected with ATM-related conditions. This variant is not present in population databases (gnomAD no frequency). This sequence change replaces aspartic acid, which is acidic and polar, with glycine, which is neutral and non-polar, at codon 2003 of the ATM protein (p.Asp2003Gly).